The following is an entry in ClinVar:

NM_022168.4(IFIH1):c.137T>C (p.Ile46Thr)

Gene: IFIH1 (interferon induced with helicase C domain 1; minus strand). Cytogenetic location: 2q24.2.
Variant type: single nucleotide variant.
Coding change: c.137T>C on transcript NM_022168.4 (MANE Select); coding-DNA position 137, T replaced by C.
Protein change: p.Ile46Thr; replaces isoleucine 46 with threonine.
Molecular consequence: missense variant.
Genome position (GRCh38, 1-based): chr2:162,318,171, A>G on the plus strand (T>C on the coding strand, the complement: IFIH1 is on the minus strand). VCF-style: chr2-162318171-A-G. GRCh37 (hg19) VCF-style: chr2-163174681-A-G.
Other names: short protein forms I46T.
Identifiers: ClinVar variation 1313616 (VCV001313616.4), dbSNP rs1276069749, ClinGen allele CA349014164.

ClinVar aggregate classification (germline): Uncertain significance. Review status: criteria provided, multiple submitters, no conflicts (2 of 4 stars). 2 submissions from 2 submitters: Uncertain significance (2). Last evaluated 2024-03-15.

Conditions:
Aicardi-Goutieres syndrome 7 (AGS7). Identifiers: Orphanet 51, MedGen C3888244, MONDO:0014367, OMIM 615846.
Singleton-Merten syndrome 1 (SGMRT1). Also called: Widened medullary cavities of bone, aortic calcification, abnormal dentition, and muscular weakness; Syndrome of widened medullary cavities of the metacarpals and phalanges, aortic calcification and abnormal dentition. Identifiers: Orphanet 85191, MedGen C4225427, MONDO:0024535, OMIM 182250.

Allele frequency attached by ClinVar (database versions not stated): gnomAD 0.00001; gnomAD exomes 0.00001; TOPMed 0.00001.
gnomAD v4.1: 20 of 1,614,036 alleles (0.0012%); highest among the groups gnomAD compares: Non-Finnish European, 0.0017%; no homozygotes.

Submissions (2):

Labcorp Genetics (formerly Invitae), Labcorp
Classification: Uncertain significance for Aicardi-Goutieres syndrome 7; Singleton-Merten syndrome 1. Last evaluated: 2024-03-15. Review status: criteria provided, single submitter. Criteria: Invitae Variant Classification Sherloc (09022015). Collection method: clinical testing. Allele origin: germline.
Comment: This sequence change replaces isoleucine, which is neutral and non-polar, with threonine, which is neutral and polar, at codon 46 of the IFIH1 protein (p.Ile46Thr). This variant is not present in population databases (gnomAD no frequency). This variant has not been reported in the literature in individuals affected with IFIH1-related conditions. ClinVar contains an entry for this variant (Variation ID: 1313616). Advanced modeling of protein sequence and biophysical properties (such as structural, functional, and spatial information, amino acid conservation, physicochemical variation, residue mobility, and thermodynamic stability) has been performed at Invitae for this missense variant, however the output from this modeling did not meet the statistical confidence thresholds required to predict the impact of this variant on IFIH1 protein function. In summary, the available evidence is currently insufficient to determine the role of this variant in disease. Therefore, it has been classified as a Variant of Uncertain Significance.

GeneDx
Classification: Uncertain significance. Last evaluated: 2020-11-05. Review status: criteria provided, single submitter. Criteria: GeneDx Variant Classification Process June 2021. Collection method: clinical testing. Allele origin: germline. Affected: yes.
Comment: Not observed in large population cohorts (Lek et al., 2016); In silico analysis supports that this missense variant has a deleterious effect on protein structure/function; Has not been previously published as pathogenic or benign to our knowledge